The following is an entry in ClinVar:

ClinVar aggregate classification (germline): Uncertain significance (1 of 4 stars; one submission).

Conditions:
Congenital hyperammonemia, type I. Also called: Carbamoyl phosphate synthetase 1 deficiency; Hyperammonemia due to carbamoyl phosphate synthetase 1 deficiency; CPS 1 deficiency; Carbamyl phosphate synthetase (CPS) deficiency; Carbamoyl-phosphate synthase I deficiency; Carbamoyl phosphate synthetase I deficiency disease. Identifiers: Orphanet 147, MedGen C4082171, MONDO:0009376, OMIM 237300.

Allele frequency attached by ClinVar (database versions not stated): TOPMed below 0.00001; gnomAD exomes 0.00001; ESP Exome Variant Server 0.00015.
gnomAD v4.1: 22 of 1,614,084 alleles (0.0014%); highest among the groups gnomAD compares: Non-Finnish European, 0.0018%; no homozygotes.

Submission:

Labcorp Genetics (formerly Invitae), Labcorp
Classification: Uncertain significance for Congenital hyperammonemia, type I. Last evaluated: 2024-06-17. Review status: criteria provided, single submitter. Criteria: Invitae Variant Classification Sherloc (09022015). Collection method: clinical testing. Allele origin: germline.
Comment: This sequence change replaces glutamic acid, which is acidic and polar, with glutamine, which is neutral and polar, at codon 1175 of the CPS1 protein (p.Glu1175Gln). This variant is present in population databases (rs146968493, gnomAD 0.0009%). This variant has not been reported in the literature in individuals affected with CPS1-related conditions. ClinVar contains an entry for this variant (Variation ID: 2152480). Advanced modeling of protein sequence and biophysical properties (such as structural, functional, and spatial information, amino acid conservation, physicochemical variation, residue mobility, and thermodynamic stability) performed at Invitae indicates that this missense variant is expected to disrupt CPS1 protein function with a positive predictive value of 80%. In summary, the available evidence is currently insufficient to determine the role of this variant in disease. Therefore, it has been classified as a Variant of Uncertain Significance.

NM_001875.5(CPS1):c.3523G>C (p.Glu1175Gln)

Gene: CPS1 (carbamoyl-phosphate synthase 1; plus strand). Cytogenetic location: 2q34.
Variant type: single nucleotide variant.
Coding change: c.3523G>C on transcript NM_001875.5 (MANE Select); coding-DNA position 3523, G replaced by C.
Protein change: p.Glu1175Gln; replaces glutamic acid 1175 with glutamine.
Molecular consequence: missense variant. On other transcripts: non-coding transcript variant (2).
Genome position (GRCh38, 1-based): chr2:210,654,067, G>C. VCF-style: chr2-210654067-G-C. GRCh37 (hg19) VCF-style: chr2-211518791-G-C.
Other names: c.3523G>C, p.Glu1175Gln (NM_001369257.1, NM_001122633.3); c.3556G>C, p.Glu1186Gln (NM_001369256.1); short protein forms E1186Q, E1175Q.
Identifiers: ClinVar variation 2152480 (VCV002152480.4), dbSNP rs146968493, ClinGen allele CA64731933.
Genomic context (GRCh38, chr2:210,654,067, plus strand): 5'-TGTTTTCCTTCGTGACAGGAGCACCCAGTGGTGCTGACAAAATTTGTTGAAGGGGCCCGA[G>C]AAGTAGAAATGGACGCTGTTGGCAAAGATGGAAGGGTAAGTGCTTTATTCTCATCTCCTT-3'
Protein context (NP_001866.2, residues 1165-1185): VLTKFVEGAR[Glu1175Gln]VEMDAVGKDG